The following is an entry in ClinVar:

NM_015662.3(IFT172):c.2122G>A (p.Val708Met)

Gene: IFT172 (intraflagellar transport 172; minus strand). Cytogenetic location: 2p23.3.
Variant type: single nucleotide variant.
Coding change: c.2122G>A on transcript NM_015662.3 (MANE Select); coding-DNA position 2122, G replaced by A.
Protein change: p.Val708Met; replaces valine 708 with methionine.
Molecular consequence: missense variant.
Genome position (GRCh38, 1-based): chr2:27,461,830, C>T on the plus strand (G>A on the coding strand, the complement: IFT172 is on the minus strand). VCF-style: chr2-27461830-C-T. GRCh37 (hg19) VCF-style: chr2-27684697-C-T.
Other names: c.2122G>A (NM_015662.1); short protein forms V708M.
Identifiers: ClinVar variation 943712 (VCV000943712.15), dbSNP rs140506322, ClinGen allele CA1580394.

ClinVar aggregate classification (germline): Uncertain significance. Review status: criteria provided, multiple submitters, no conflicts (2 of 4 stars). 6 submissions from 6 submitters: Uncertain significance (6). Last evaluated 2026-05-12.

Conditions:
Inborn genetic diseases. Identifiers: MedGen C0950123, MeSH D030342.
Short-rib thoracic dysplasia 10 with or without polydactyly (SRTD10). Identifiers: Orphanet 474, MedGen C3810175, MONDO:0014284, OMIM 615630.
Bardet-Biedl syndrome 20. Identifiers: MedGen C4310707, MONDO:0023670, OMIM 619471, MONDO:0014926.
Retinitis pigmentosa 71 (RP71). Identifiers: Orphanet 791, MedGen C4225342, MONDO:0014618, OMIM 616394.
IFT172-related disorder. Also called: IFT172-related disorders; IFT172-related condition.

Allele frequency attached by ClinVar (database versions not stated): gnomAD 0.00009; TOPMed 0.00009; gnomAD exomes 0.00011; ExAC 0.00012; ESP Exome Variant Server 0.00038.
gnomAD v4.1: 312 of 1,614,054 alleles (0.019%); highest among the groups gnomAD compares: Non-Finnish European, 0.026%; no homozygotes.

Submissions (6):

PreventionGenetics, part of Exact Sciences
Classification: Uncertain significance for IFT172-related condition. Last evaluated: 2026-05-12. Review status: criteria provided, single submitter. Criteria: ACMG Guidelines, 2015. Collection method: clinical testing. Allele origin: germline.
Comment: The IFT172 c.2122G>A variant is predicted to result in the amino acid substitution p.Val708Met. To our knowledge, this variant has not been reported in the literature. This variant is reported in 0.024% of alleles in individuals of European (Non-Finnish) descent in gnomAD. At this time, the clinical significance of this variant is uncertain due to the absence of conclusive functional and genetic evidence.

GeneDx
Classification: Uncertain significance. Last evaluated: 2025-05-29. Review status: criteria provided, single submitter. Criteria: GeneDx Variant Classification Process June 2021. Collection method: clinical testing. Allele origin: germline. Affected: yes.
Comment: In silico analysis suggests that this missense variant does not alter protein structure/function; Has not been previously published as pathogenic or benign to our knowledge

Ambry Genetics
Classification: Uncertain significance for Inborn genetic diseases. Last evaluated: 2024-10-25. Review status: criteria provided, single submitter. Criteria: Ambry Variant Classification Scheme 2023. Collection method: clinical testing. Allele origin: germline.

Blueprint Genetics
Classification: Uncertain significance. Last evaluated: 2024-08-22. Review status: criteria provided, single submitter. Criteria: ACMG Guidelines, 2015. Collection method: clinical testing. Allele origin: germline.

Fulgent Genetics
Classification: Uncertain significance for Short-rib thoracic dysplasia 10 with or without polydactyly; Retinitis pigmentosa 71; Bardet-Biedl syndrome 20. Last evaluated: 2024-02-26. Review status: criteria provided, single submitter. Criteria: ACMG Guidelines, 2015. Collection method: clinical testing. Allele origin: germline.

Labcorp Genetics (formerly Invitae), Labcorp
Classification: Uncertain significance for Retinitis pigmentosa 71; Short-rib thoracic dysplasia 10 with or without polydactyly. Last evaluated: 2022-08-31. Review status: criteria provided, single submitter. Criteria: Invitae Variant Classification Sherloc (09022015). Collection method: clinical testing. Allele origin: germline.
Comment: This sequence change replaces valine, which is neutral and non-polar, with methionine, which is neutral and non-polar, at codon 708 of the IFT172 protein (p.Val708Met). This variant is present in population databases (rs140506322, gnomAD 0.02%). This variant has not been reported in the literature in individuals affected with IFT172-related conditions. ClinVar contains an entry for this variant (Variation ID: 943712). Algorithms developed to predict the effect of missense changes on protein structure and function are either unavailable or do not agree on the potential impact of this missense change (SIFT: "Deleterious"; PolyPhen-2: "Possibly Damaging"; Align-GVGD: "Class C0"). In summary, the available evidence is currently insufficient to determine the role of this variant in disease. Therefore, it has been classified as a Variant of Uncertain Significance.